The following is an entry in ClinVar:

ClinVar aggregate classification (germline): Conflicting classifications of pathogenicity. Review status: criteria provided, conflicting classifications (1 of 4 stars). 7 submissions from 7 submitters: Pathogenic (1); Likely pathogenic (3); Uncertain significance (2). 1 of the submissions does not count toward it. Last evaluated 2026-06-10.

Conditions:
CERKL-related disorders.
Retinal dystrophy. Also called: Inherited retinal dystrophy. Identifiers: Orphanet 71862, MedGen C0854723, MeSH D058499, MONDO:0019118, HP:0000556.
Retinitis pigmentosa 26 (RP26). Identifiers: Orphanet 791, MedGen C1842127, MONDO:0012024, OMIM 608380.
Isolated macular dystrophy. Identifiers: Orphanet 519302, MedGen C5681367, MONDO:0957048.

Allele frequency attached by ClinVar (database versions not stated): gnomAD exomes below 0.00001.

Submissions (7):

Myriad Genetics, Inc.
Classification: Uncertain significance for Retinitis pigmentosa 26. Last evaluated: 2026-06-10. Review status: criteria provided, single submitter. Criteria: Myriad Autosomal Dominant, Autosomal Recessive and X-Linked Classification Criteria (2023). Collection method: clinical testing. Allele origin: unknown.
Comment: NM_001030311.2(CERKL):c.1624_1643dup20(G549Qfs*14) is a readthrough frameshift variant classified as a variant of uncertain significance in the context of retinitis pigmentosa, CERKL-related. G549Qfs*14 has been observed in cases with relevant disease (PMID: 37222315, 32531858, 39462066). Relevant functional assessments of this variant are not available in the literature. G549Qfs*14 has not been observed in referenced population frequency databases. In summary, there is insufficient evidence to classify NM_001030311.2(CERKL):c.1624_1643dup20(G549Qfs*14) as pathogenic or benign. Please note: this variant was assessed in the context of healthy population screening.

Blueprint Genetics
Classification: Likely pathogenic for CERKL-related disorders. Last evaluated: 2024-11-21. Review status: criteria provided, single submitter. Criteria: ACMG Guidelines, 2015. Collection method: clinical testing. Allele origin: germline. Affected: yes. Observed: 1 variant allele.

Fulgent Genetics
Classification: Likely pathogenic for Retinitis pigmentosa 26. Last evaluated: 2024-03-27. Review status: criteria provided, single submitter. Criteria: ACMG Guidelines, 2015. Collection method: clinical testing. Allele origin: germline.

Labcorp Genetics (formerly Invitae), Labcorp
Classification: Uncertain significance. Last evaluated: 2023-09-25. Review status: criteria provided, single submitter. Criteria: Invitae Variant Classification Sherloc (09022015). Collection method: clinical testing. Allele origin: germline.
Comment: In summary, the available evidence is currently insufficient to determine the role of this variant in disease. Therefore, it has been classified as a Variant of Uncertain Significance. Experimental studies and prediction algorithms are not available or were not evaluated, and the functional significance of this variant is currently unknown. ClinVar contains an entry for this variant (Variation ID: 425251). This frameshift has been observed in individual(s) with inherited retinal dystrophy (PMID: 32531858). This variant is not present in population databases (gnomAD no frequency). This sequence change results in a frameshift in the CERKL gene (p.Gly549Glnfs*14). While this is not anticipated to result in nonsense mediated decay, it is expected to disrupt the last 10 amino acid(s) of the CERKL protein and extend the protein by 3 additional amino acid residues.

Molecular Genetics Laboratory, Institute for Ophthalmic Research
Classification: Pathogenic for Isolated macular dystrophy. Last evaluated: 2020-01-09. Review status: criteria provided, single submitter. Criteria: ACMG Guidelines, 2015. Collection method: research. Allele origin: germline. Affected: yes.

CeGaT Center for Human Genetics Tuebingen
Classification: Likely pathogenic. Last evaluated: 2017-01-01. Review status: criteria provided, single submitter. Criteria: CeGaT Center For Human Genetics Tuebingen Variant Classification Criteria Version 2. Collection method: clinical testing. Allele origin: germline. Affected: yes. Observed: 1 variant allele.

Institute of Human Genetics, Univ. Regensburg, Univ. Regensburg
Classification: Likely pathogenic for Retinal dystrophy. Last evaluated: 2022-01-01. Review status: no assertion criteria provided. Criteria: ACMG Guidelines, 2015. Collection method: clinical testing. Allele origin: germline. Affected: yes. Not counted in ClinVar's aggregate classification.

Literature cited by the submitters: PubMed 32531858 (cited by Myriad Genetics, Inc. and Labcorp Genetics (formerly Invitae), Labcorp); PubMed 37222315 (cited by Myriad Genetics, Inc.); PubMed 39462066 (cited by Myriad Genetics, Inc.).

NM_201548.5(CERKL):c.1546_1565dup (p.Gly523fs)

Genes: CERKL (CERK like autophagy regulator; minus strand), ITGA4 (integrin subunit alpha 4; plus strand). Cytogenetic location: 2q31.3.
Variant type: Duplication.
Coding change: c.1546_1565dup on transcript NM_201548.5 (MANE Select); coding-DNA positions 1546 to 1565, 20 bases duplicated (CCAAGACTTATCAGTCTTTA).
Protein change: p.Gly523fs; shifts the reading frame from glycine 523.
Molecular consequence: frameshift variant. On other transcripts: 3 prime UTR variant (1), non-coding transcript variant (2).
Genome position (GRCh38, 1-based): chr2:181,538,218-181,538,237, TAAAGACTGATAAGTCTTGG duplicated on the plus strand (CCAAGACTTATCAGTCTTTA on the coding strand, the reverse complement: CERKL is on the minus strand). VCF-style (leftmost placement, unchanged base first): chr2-181538217-A-ATAAAGACTGATAAGTCTTGG. GRCh37 (hg19) VCF-style: chr2-182402944-A-ATAAAGACTGATAAGTCTTGG.
Other names: c.*2691_*2710dup (NM_000885.6); c.1624_1643dup, p.Gly549fs (NM_001030311.3); c.1207_1226dup, p.Gly410fs (NM_001030312.3); c.1339_1358dup, p.Gly454fs (NM_001030313.3); c.1492_1511dup, p.Gly505fs (NM_001160277.2); short protein forms G454fs, G523fs, G549fs, G410fs, G505fs.
Identifiers: ClinVar variation 425251 (VCV000425251.48), dbSNP rs1064797278, ClinGen allele CA16621784.